The following is an entry in ClinVar:

ClinVar aggregate classification (germline): Pathogenic (1 of 4 stars; one submission).

Submission:

ISCA Site 6
Classification: Pathogenic. Last evaluated: 2011-08-12. Review status: criteria provided, single submitter. Criteria: Kaminsky et al. (Genet Med. 2011). Collection method: clinical testing. Allele origin: unknown. Affected: yes. Observed: 1 variant allele.
Comment: Copy number variation identified through the course of routine clinical cytogenomic testing in postnatal populations. Clinical assertions have been curated as described in Kaminsky et al. 2011.

GRCh38/hg38 15q11.2-13.1(chr15:23375083-28272443)x1

Genes: ATP10A (ATPase phospholipid transporting 10A (putative); minus strand), ATP10A-DT (ATP10A divergent transcript; plus strand), GABRA5 (gamma-aminobutyric acid type A receptor subunit alpha5; plus strand), GABRB3 (gamma-aminobutyric acid type A receptor subunit beta3; minus strand), GABRG3 (gamma-aminobutyric acid type A receptor subunit gamma3; plus strand) and 138 more. Cytogenetic location: 15q11.2-13.1.
Variant type: copy number loss.
Change: copy number 1 (one copy instead of two) of chr15:23,375,083-28,272,443 (4.90 Mb, GRCh38 coordinates, 1-based), cytogenetic band 15q11.2-13.1.
Identifiers: ClinVar variation 58603 (VCV000058603.2).